The following is an entry in ClinVar:

ClinVar aggregate classification (germline): Uncertain significance (1 of 4 stars; one submission).

Conditions:
Inborn genetic diseases. Identifiers: MedGen C0950123, MeSH D030342.

gnomAD v4.1: 1 of 1,614,240 alleles (0.000062%); no homozygotes.

Submission:

Ambry Genetics
Classification: Uncertain significance for Inborn genetic diseases. Last evaluated: 2024-12-21. Review status: criteria provided, single submitter. Criteria: Ambry Variant Classification Scheme 2023. Collection method: clinical testing. Allele origin: germline.
Comment: The p.P1392L variant (also known as c.4175C>T), located in coding exon 42 of the FANCA gene, results from a C to T substitution at nucleotide position 4175. The proline at codon 1392 is replaced by leucine, an amino acid with similar properties. This amino acid position is conserved. In addition, the in silico prediction for this alteration is inconclusive. Based on the available evidence, the clinical significance of this variant remains unclear.

NM_000135.4(FANCA):c.4175C>T (p.Pro1392Leu)

Genes: FANCA (FA complementation group A; minus strand), ZNF276 (zinc finger protein 276; plus strand). Cytogenetic location: 16q24.3.
Variant type: single nucleotide variant.
Coding change: c.4175C>T on transcript NM_000135.4 (MANE Select); coding-DNA position 4175, C replaced by T.
Protein change: p.Pro1392Leu; replaces proline 1392 with leucine.
Molecular consequence: missense variant. On other transcripts: synonymous variant (1), 3 prime UTR variant (2), non-coding transcript variant (4).
Genome position (GRCh38, 1-based): chr16:89,738,967, G>A on the plus strand (C>T on the coding strand, the complement: FANCA is on the minus strand). VCF-style: chr16-89738967-G-A. GRCh37 (hg19) VCF-style: chr16-89805375-G-A.
Other names: c.4179C>T, p.Pro1393= (NM_001286167.3); c.*721G>A (NM_001113525.2, NM_152287.4); short protein forms P1392L.
Identifiers: ClinVar variation 3848049 (VCV003848049.1).